The following is an entry in ClinVar:

ClinVar aggregate classification (germline): Uncertain significance. Review status: criteria provided, multiple submitters, no conflicts (2 of 4 stars). 7 submissions from 7 submitters: Uncertain significance (6). 1 of the submissions does not count toward it. Last evaluated 2026-02-20.

Conditions:
Medulloblastoma (MDB). Also called: Medulloblastoma, somatic; MEDULLOBLASTOMA PREDISPOSITION SYNDROME. Identifiers: Orphanet 616, MedGen C0025149, MeSH D008527, MONDO:0007959, OMIM 155255, HP:0002885.
Familial dysautonomia. Also called: HSAN III; FD. Identifiers: Orphanet 1764, MedGen C0013364, MONDO:0009131, OMIM 223900. Disease mechanism: loss of function.

Allele frequency attached by ClinVar (database versions not stated): ExAC 0.00002; gnomAD exomes 0.00002; gnomAD 0.00008 and 0.00007; TOPMed 0.00004.
gnomAD v4.1: 113 of 1,609,860 alleles (0.007%); highest among the groups gnomAD compares: Non-Finnish European, 0.0088%; no homozygotes.

Submissions (7):

St. Jude Molecular Pathology, St. Jude Children's Research Hospital
Classification: Uncertain significance for Medulloblastoma. Last evaluated: 2026-02-20. Review status: criteria provided, single submitter. Criteria: St. Jude Assertion Criteria 2020. Collection method: clinical testing. Allele origin: germline.
Comment: The ELP1 c.3917C>T p.(Ser1306Leu) missense change has a maximum subpopulation frequency of 0.016% in gnomAD v2.1.1. The in silico tool REVEL predicts a benign effect on protein function, but to our knowledge this prediction has not been confirmed by functional studies. T o our knowledge, this variant has not been reported in individuals with medulloblastoma or familial dysautonomia. In summary, the evidence currently available is insufficient to determine the clinical significance of this variant. It has therefore been c lassified as of uncertain significance.

Labcorp Genetics (formerly Invitae), Labcorp
Classification: Uncertain significance. Last evaluated: 2026-01-05. Review status: criteria provided, single submitter. Criteria: Invitae Variant Classification Sherloc (09022015). Collection method: clinical testing. Allele origin: germline.
Comment: This sequence change replaces serine, which is neutral and polar, with leucine, which is neutral and non-polar, at codon 1306 of the ELP1 protein (p.Ser1306Leu). This variant is present in population databases (rs780649768, gnomAD 0.02%). This variant has not been reported in the literature in individuals affected with ELP1-related conditions. ClinVar contains an entry for this variant (Variation ID: 565613). An algorithm developed to predict the effect of missense changes on protein structure and function outputs the following: PolyPhen-2: "Benign". The leucine amino acid residue is found in multiple mammalian species, which suggests that this missense change does not adversely affect protein function. In summary, the available evidence is currently insufficient to determine the role of this variant in disease. Therefore, it has been classified as a Variant of Uncertain Significance.

GeneDx
Classification: Uncertain significance. Last evaluated: 2024-12-01. Review status: criteria provided, single submitter. Criteria: GeneDx Variant Classification Process June 2021. Collection method: clinical testing. Allele origin: germline. Affected: yes.
Comment: In silico analysis indicates that this missense variant does not alter protein structure/function; Has not been previously published as pathogenic or benign to our knowledge

Ambry Genetics
Classification: Uncertain significance. Last evaluated: 2023-10-23. Review status: criteria provided, single submitter. Criteria: Ambry Variant Classification Scheme 2023. Collection method: clinical testing. Allele origin: germline.
Comment: The p.S1306L variant (also known as c.3917C>T), located in coding exon 35 of the IKBKAP gene, results from a C to T substitution at nucleotide position 3917. The serine at codon 1306 is replaced by leucine, an amino acid with dissimilar properties. This amino acid position is conserved. In addition, this alteration is predicted to be tolerated by in silico analysis. Since supporting evidence is limited at this time, the clinical significance of this alteration remains unclear.

Fulgent Genetics
Classification: Uncertain significance for Medulloblastoma; Familial dysautonomia. Last evaluated: 2022-03-19. Review status: criteria provided, single submitter. Criteria: ACMG Guidelines, 2015. Collection method: clinical testing. Allele origin: unknown.

Illumina Laboratory Services, Illumina
Classification: Uncertain significance for Familial dysautonomia. Last evaluated: 2018-01-13. Review status: criteria provided, single submitter. Criteria: ICSL Variant Classification Criteria 13 December 2019. Collection method: clinical testing. Allele origin: germline.

Natera, Inc.
Classification: Uncertain significance for Familial dysautonomia. Last evaluated: 2020-09-16. Review status: no assertion criteria provided. Collection method: clinical testing. Allele origin: germline. Not counted in ClinVar's aggregate classification.

NM_003640.5(ELP1):c.3917C>T (p.Ser1306Leu)

Gene: ELP1 (elongator acetyltransferase complex subunit 1; minus strand). Cytogenetic location: 9q31.3.
Variant type: single nucleotide variant.
Coding change: c.3917C>T on transcript NM_003640.5 (MANE Select); coding-DNA position 3917, C replaced by T.
Protein change: p.Ser1306Leu; replaces serine 1306 with leucine.
Molecular consequence: missense variant.
Genome position (GRCh38, 1-based): chr9:108,874,909, G>A on the plus strand (C>T on the coding strand, the complement: ELP1 is on the minus strand). VCF-style: chr9-108874909-G-A. GRCh37 (hg19) VCF-style: chr9-111637189-G-A.
Other names: c.3917C>T (LRG_251t1); c.3575C>T, p.Ser1192Leu (NM_001318360.2); c.2870C>T, p.Ser957Leu (NM_001330749.2); short protein forms S1306L, S957L, S1192L.
Identifiers: ClinVar variation 565613 (VCV000565613.14), dbSNP rs780649768, ClinGen allele CA5174138.